The following is an entry in ClinVar:

ClinVar aggregate classification (germline): Likely benign (0 of 4 stars; one submission).

Conditions:
DSG1-related disorder. Also called: DSG1-related condition.

Allele frequency attached by ClinVar (database versions not stated): ExAC 0.00022; gnomAD 0.00054; ESP Exome Variant Server 0.00069; TOPMed 0.00069.
gnomAD v4.1: 157 of 1,612,556 alleles (0.0097%); highest among the groups gnomAD compares: African/African-American, 0.18%; no homozygotes.

Submission:

PreventionGenetics, part of Exact Sciences
Classification: Likely benign for DSG1-related condition. Last evaluated: 2019-12-09. Review status: no assertion criteria provided. Collection method: clinical testing. Allele origin: germline.
Comment: This variant is classified as likely benign based on ACMG/AMP sequence variant interpretation guidelines (Richards et al. 2015 PMID: 25741868, with internal and published modifications).

NM_001942.4(DSG1):c.-8C>A

Gene: DSG1 (desmoglein 1; plus strand). Cytogenetic location: 18q12.1.
Variant type: single nucleotide variant.
Coding change: c.-8C>A on transcript NM_001942.4 (MANE Select); 8 bases upstream of the start codon, C replaced by A.
Molecular consequence: 5 prime UTR variant.
Genome position (GRCh38, 1-based): chr18:31,318,293, C>A. VCF-style: chr18-31318293-C-A. GRCh37 (hg19) VCF-style: chr18-28898256-C-A.
Identifiers: ClinVar variation 3049198 (VCV003049198.2), dbSNP rs371998253, ClinGen allele CA8925718.
Genomic context (GRCh38, chr18:31,318,293, plus strand): 5'-GAAAGAAAAAGAACAGAGAAGAACAAACAAAACTCCCTTGGTCTTGGATGTAAGAGAATC[C>A]AGCAGAGATGGACTGGAGTTTCTTCAGAGTAGTTGCAATGCTGTTCATTTTTCTGGTGAG-3'